The following is an entry in ClinVar:

NM_000521.4(HEXB):c.1517_1529dup (p.Glu511fs)

Gene: HEXB (hexosaminidase subunit beta; plus strand). Cytogenetic location: 5q13.3.
Variant type: Duplication.
Coding change: c.1517_1529dup on transcript NM_000521.4 (MANE Select); coding-DNA positions 1517 to 1529, 13 bases duplicated (CAAGTGCTGTTGG).
Protein change: p.Glu511fs; shifts the reading frame from glutamic acid 511.
Molecular consequence: frameshift variant.
Genome position (GRCh38, 1-based): chr5:74,720,651-74,720,663, CAAGTGCTGTTGG duplicated; duplicating any 13 consecutive bases within chr5:74,720,649-74,720,663 gives the same sequence; the c. name uses the placement nearest the transcript's 3' end. VCF-style (leftmost placement, unchanged base first): chr5-74720648-G-GGGCAAGTGCTGTT. GRCh37 (hg19) VCF-style: chr5-74016473-G-GGGCAAGTGCTGTT.
Other names: c.1517_1529dup (NM_000521.3); c.842_854dup, p.Glu286fs (NM_001292004.2); short protein forms E286fs, E511fs.
Identifiers: ClinVar variation 194179 (VCV000194179.9), dbSNP rs797044644, ClinGen allele CA201014.
Genomic context (GRCh38, chr5:74,720,648, plus strand): 5'-AGTGCTAAACATAAATTTAAACTGCTTGCGGGGGGATGTGTGATTTAAATTTTAGGCCTC[G>GGGCAAGTGCTGTT]GGCAAGTGCTGTTGGTGAGAGACTCTGGAGTTCCAAAGATGTCAGAGATATGGATGACGC-3'

ClinVar aggregate classification (germline): Pathogenic/Likely pathogenic. Review status: criteria provided, multiple submitters, no conflicts (2 of 4 stars). 3 submissions from 3 submitters: Pathogenic (2); Likely pathogenic (1). Last evaluated 2025-11-18.

Conditions:
Sandhoff disease. Also called: Beta-hexosaminidase-beta-subunit deficiency; GM2 gangliosidosis, type 2; Total hexosaminidase deficiency; Sandhoff-Jatzkewitz-Pilz disease; GM2-GANGLIOSIDOSIS, TYPE II; HEXOSAMINIDASES A AND B DEFICIENCY. Identifiers: Orphanet 796, MedGen C0036161, MONDO:0010006, OMIM 268800.

Submissions (3):

Natera, Inc.
Classification: Likely pathogenic for Sandhoff disease. Last evaluated: 2025-11-18. Review status: criteria provided, single submitter. Criteria: Natera Variant Classification Schema (03/2026). Collection method: clinical testing. Allele origin: germline.
Comment: The c.1517_1529dup variant in HEXB is a frameshift variant predicted to shift the reading frame beginning at codon 511 and leads to a stop codon 5 codons downstream. This variant is expected to result in nonsense mediated decay, truncation, or a dysfunctional protein product. This variant is rare in the general population with a frequency below the threshold expected for the associated phenotype(s). Given the available evidence, this variant is classified as Likely Pathogenic.

Labcorp Genetics (formerly Invitae), Labcorp
Classification: Pathogenic for Sandhoff disease. Last evaluated: 2024-02-03. Review status: criteria provided, single submitter. Criteria: Invitae Variant Classification Sherloc (09022015). Collection method: clinical testing. Allele origin: germline.
Comment: This sequence change creates a premature translational stop signal (p.Glu511Lysfs*5) in the HEXB gene. It is expected to result in an absent or disrupted protein product. Loss-of-function variants in HEXB are known to be pathogenic (PMID: 7550345, 18758829). This variant is not present in population databases (gnomAD no frequency). This premature translational stop signal has been observed in individual(s) with Sandhoff disease (PMID: 29448188). ClinVar contains an entry for this variant (Variation ID: 194179). For these reasons, this variant has been classified as Pathogenic.

Eurofins Ntd Llc (ga)
Classification: Pathogenic. Last evaluated: 2015-02-25. Review status: criteria provided, single submitter. Criteria: EGL Classification Definitions. Collection method: clinical testing. Allele origin: germline. Observed: 3 variant alleles, 3 heterozygotes.

Literature cited by the submitters: PubMed 7550345 (cited by Labcorp Genetics (formerly Invitae), Labcorp); PubMed 18758829 (cited by Labcorp Genetics (formerly Invitae), Labcorp); PubMed 29448188 (cited by Labcorp Genetics (formerly Invitae), Labcorp).